The following is an entry in ClinVar:

ClinVar aggregate classification (germline): Benign. Review status: criteria provided, multiple submitters, no conflicts (2 of 4 stars). 3 submissions from 3 submitters: Benign (2). 1 of the submissions does not count toward it. Last evaluated 2026-01-27.

Conditions:
SCARB1-related disorder. Also called: SCARB1-related condition.

Allele frequency attached by ClinVar (database versions not stated): gnomAD exomes 0.00286; ExAC 0.00698; gnomAD 0.01327 and 0.01442; 1000 Genomes Project 0.01378; 1000 Genomes Project 30x 0.01421; TOPMed 0.01505; ESP Exome Variant Server 0.01593.
gnomAD v4.1: 3,799 of 1,584,494 alleles (0.24%); highest among the groups gnomAD compares: African/African-American, 4.7%; 78 homozygotes.

Submissions (3):

Labcorp Genetics (formerly Invitae), Labcorp
Classification: Benign. Last evaluated: 2026-01-27. Review status: criteria provided, single submitter. Criteria: Invitae Variant Classification Sherloc (09022015). Collection method: clinical testing. Allele origin: germline.

Breakthrough Genomics
Classification: Benign. Review status: criteria provided, single submitter. Criteria: ACMG Guidelines, 2015. Collection method: not provided. Allele origin: germline. Inheritance: Unknown mechanism. Affected: yes.

PreventionGenetics, part of Exact Sciences
Classification: Likely benign for SCARB1-related condition. Last evaluated: 2020-06-30. Review status: no assertion criteria provided. Collection method: clinical testing. Allele origin: germline. Not counted in ClinVar's aggregate classification.
Comment: This variant is classified as likely benign based on ACMG/AMP sequence variant interpretation guidelines (Richards et al. 2015 PMID: 25741868, with internal and published modifications).

NM_005505.5(SCARB1):c.63C>T (p.Cys21=)

Genes: SCARB1 (scavenger receptor class B member 1; minus strand), LOC130009157 (ATAC-STARR-seq lymphoblastoid silent region 5067; plus strand). Cytogenetic location: 12q24.31.
Variant type: single nucleotide variant.
Coding change: c.63C>T on transcript NM_005505.5 (MANE Select); coding-DNA position 63, C replaced by T.
Protein change: p.Cys21=; no amino-acid change (cysteine 21 retained).
Molecular consequence: synonymous variant. On other transcripts: non-coding transcript variant (9).
Genome position (GRCh38, 1-based): chr12:124,863,658, G>A on the plus strand (C>T on the coding strand, the complement: SCARB1 is on the minus strand). VCF-style: chr12-124863658-G-A. GRCh37 (hg19) VCF-style: chr12-125348204-G-A.
Other names: c.63C>T, p.Cys21= (NM_001082959.2, NM_001367981.1, NM_001367983.1 and 6 more transcripts).
Identifiers: ClinVar variation 788443 (VCV000788443.13), dbSNP rs10396208, ClinGen allele CA6870716.